The following is an entry in ClinVar:

NM_003803.4(MYOM1):c.3395C>T (p.Pro1132Leu)

Gene: MYOM1 (myomesin 1; minus strand). Cytogenetic location: 18p11.31.
Variant type: single nucleotide variant.
Coding change: c.3395C>T on transcript NM_003803.4 (MANE Select); coding-DNA position 3395, C replaced by T.
Protein change: p.Pro1132Leu; replaces proline 1132 with leucine.
Molecular consequence: missense variant.
Genome position (GRCh38, 1-based): chr18:3,112,321, G>A on the plus strand (C>T on the coding strand, the complement: MYOM1 is on the minus strand). VCF-style: chr18-3112321-G-A. GRCh37 (hg19) VCF-style: chr18-3112319-G-A.
Other names: c.3107C>T, p.Pro1036Leu (NM_019856.2); short protein forms P1036L, P1132L.
Identifiers: ClinVar variation 3223561 (VCV003223561.1), dbSNP rs1478615481, ClinGen allele CA401704627.
Genomic context (GRCh38, chr18:3,112,321, plus strand): 5'-AGATAGGATTAGTTTTAATGAAAAGGTGAAAGCCCACCTGGACGGGTCTCTGCCACAACA[G>A]GGCCAGCAAGGTCAGATGGCTTCCCAACTCCCGCCTGGTTTATGGCTCGAACACGGAACA-3'
Protein context (NP_003794.3, residues 1122-1142): GVGKPSDLAG[Pro1132Leu]VVAETRPGTK

ClinVar aggregate classification (germline): Uncertain significance (1 of 4 stars; one submission).

Submission:

Ambry Genetics
Classification: Uncertain significance. Last evaluated: 2023-09-30. Review status: criteria provided, single submitter. Criteria: Ambry Variant Classification Scheme 2023. Collection method: clinical testing. Allele origin: germline.
Comment: The p.P1132L variant (also known as c.3395C>T), located in coding exon 21 of the MYOM1 gene, results from a C to T substitution at nucleotide position 3395. The proline at codon 1132 is replaced by leucine, an amino acid with similar properties. This amino acid position is conserved. In addition, the in silico prediction for this alteration is inconclusive. Since supporting evidence is limited at this time, the clinical significance of this alteration remains unclear.